The following is an entry in ClinVar:

NM_024642.5(GALNT12):c.1225del (p.Asp409fs)

Gene: GALNT12 (polypeptide N-acetylgalactosaminyltransferase 12; plus strand). Cytogenetic location: 9q22.33.
Variant type: Deletion.
Coding change: c.1225del on transcript NM_024642.5 (MANE Select); coding-DNA position 1225, one base deleted (G; older notation c.1225delG).
Protein change: p.Asp409fs; shifts the reading frame from aspartic acid 409.
Molecular consequence: frameshift variant.
Genome position (GRCh38, 1-based): chr9:98,840,014, G deleted; the last of 4 consecutive G bases (chr9:98,840,011-98,840,014); deleting any one gives the same sequence. VCF-style (leftmost placement, unchanged base first): chr9-98840010-TG-T. GRCh37 (hg19) VCF-style: chr9-101602292-TG-T.
Other names: short protein forms D409fs.
Identifiers: ClinVar variation 1754129 (VCV001754129.2), dbSNP rs761429951, ClinGen allele CA5154210.

ClinVar aggregate classification (germline): Uncertain significance (1 of 4 stars; one submission).

Submission:

Ambry Genetics
Classification: Uncertain significance. Last evaluated: 2022-02-03. Review status: criteria provided, single submitter. Criteria: Ambry Variant Classification Scheme 2023. Collection method: clinical testing. Allele origin: germline.
Comment: The c.1225delG variant, located in coding exon 7 of the GALNT12 gene, results from a deletion of one nucleotide at nucleotide position 1225, causing a translational frameshift with a predicted alternate stop codon (p.D409Mfs*2). This alteration is expected to result in loss of function by premature protein truncation or nonsense-mediated mRNA decay. However, loss of function of GALNT12 has not been clearly established as a mechanism of disease. The evidence for this gene-disease relationship is limited; therefore, the clinical significance of this alteration is unclear.